The following is an entry in ClinVar:

ClinVar aggregate classification (germline): Uncertain significance (1 of 4 stars; one submission).

Allele frequency attached by ClinVar (database versions not stated): TOPMed below 0.00001; gnomAD 0.00001; gnomAD exomes 0.00001; ExAC 0.00003; 1000 Genomes Project 0.00020; 1000 Genomes Project 30x 0.00031.
gnomAD v4.1: 22 of 1,613,854 alleles (0.0014%); highest among the groups gnomAD compares: East Asian, 0.0022%; no homozygotes.

Submission:

Labcorp Genetics (formerly Invitae), Labcorp
Classification: Uncertain significance. Last evaluated: 2025-11-11. Review status: criteria provided, single submitter. Criteria: Invitae Variant Classification Sherloc (09022015). Collection method: clinical testing. Allele origin: germline.
Comment: This sequence change replaces arginine, which is basic and polar, with cysteine, which is neutral and slightly polar, at codon 5297 of the HMCN1 protein (p.Arg5297Cys). This variant is present in population databases (rs181601895, gnomAD 0.01%). This variant has not been reported in the literature in individuals affected with HMCN1-related conditions. ClinVar contains an entry for this variant (Variation ID: 2188088). An algorithm developed to predict the effect of missense changes on protein structure and function (PolyPhen-2) suggests that this variant is likely to be disruptive. In summary, the available evidence is currently insufficient to determine the role of this variant in disease. Therefore, it has been classified as a Variant of Uncertain Significance.

NM_031935.3(HMCN1):c.15889C>T (p.Arg5297Cys)

Gene: HMCN1 (hemicentin 1; plus strand). Cytogenetic location: 1q31.1.
Variant type: single nucleotide variant.
Coding change: c.15889C>T on transcript NM_031935.3 (MANE Select); coding-DNA position 15889, C replaced by T.
Protein change: p.Arg5297Cys; replaces arginine 5297 with cysteine.
Molecular consequence: missense variant.
Genome position (GRCh38, 1-based): chr1:186,174,588, C>T. VCF-style: chr1-186174588-C-T. GRCh37 (hg19) VCF-style: chr1-186143720-C-T.
Other names: short protein forms R5297C.
Identifiers: ClinVar variation 2188088 (VCV002188088.4), dbSNP rs181601895, ClinGen allele CA1295414.